The following is an entry in ClinVar:

ClinVar aggregate classification (germline): Likely pathogenic (1 of 4 stars; one submission).

Submission:

Dasa
Classification: Likely pathogenic. Last evaluated: 2025-03-11. Review status: criteria provided, single submitter. Criteria: DASA Assertion Criteria. Collection method: clinical testing. Allele origin: germline.
Comment: NM_006502.3(POLH):c.912del (p.Ile305Leufs*40) is a frameshift variant in POLH predicted to alter the reading frame and introduce a premature termination codon and is predicted to result in an absent or altered protein product. Loss of function is an established disease mechanism for POLH-associated disorders. Also, this variant is rare in population databases. Based on the currently available evidence, this variant is classified as likely pathogenic.

NM_006502.3(POLH):c.912del (p.Ile305fs)

Gene: POLH (DNA polymerase eta; plus strand). Cytogenetic location: 6p21.1.
Variant type: Deletion.
Coding change: c.912del on transcript NM_006502.3 (MANE Select); coding-DNA position 912, one base deleted (G; older notation c.912delG).
Protein change: p.Ile305fs; shifts the reading frame from isoleucine 305.
Molecular consequence: frameshift variant.
Genome position (GRCh38, 1-based): chr6:43,604,642, G deleted; the last of 3 consecutive G bases (chr6:43,604,640-43,604,642); deleting any one gives the same sequence. VCF-style (leftmost placement, unchanged base first): chr6-43604639-AG-A. GRCh37 (hg19) VCF-style: chr6-43572376-AG-A.
Other names: c.540del, p.Ile181fs (NM_001291969.2); c.912del, p.Ile305fs (NM_001291970.2); short protein forms I181fs, I305fs.
Identifiers: ClinVar variation 4886433 (VCV004886433.2).